The following is an entry in ClinVar:

NM_198506.5(LRIT3):c.1658G>C (p.Cys553Ser)

Gene: LRIT3 (leucine rich repeat, Ig-like and transmembrane domains 3; plus strand). Cytogenetic location: 4q25.
Variant type: single nucleotide variant.
Coding change: c.1658G>C on transcript NM_198506.5 (MANE Select); coding-DNA position 1658, G replaced by C.
Protein change: p.Cys553Ser; replaces cysteine 553 with serine.
Molecular consequence: missense variant.
Genome position (GRCh38, 1-based): chr4:109,870,407, G>C. VCF-style: chr4-109870407-G-C. GRCh37 (hg19) VCF-style: chr4-110791563-G-C.
Other names: short protein forms C553S.
Identifiers: ClinVar variation 1009444 (VCV001009444.5), dbSNP rs551139098, ClinGen allele CA357872412.

ClinVar aggregate classification (germline): Uncertain significance (1 of 4 stars; one submission).

gnomAD v4.1: 2 of 1,614,140 alleles (0.00012%); highest among the groups gnomAD compares: Non-Finnish European, 0.00017%; no homozygotes.

Submission:

Labcorp Genetics (formerly Invitae), Labcorp
Classification: Uncertain significance. Last evaluated: 2020-09-16. Review status: criteria provided, single submitter. Criteria: Invitae Variant Classification Sherloc (09022015). Collection method: clinical testing. Allele origin: germline.
Comment: This sequence change replaces cysteine with serine at codon 553 of the LRIT3 protein (p.Cys553Ser). The cysteine residue is highly conserved and there is a moderate physicochemical difference between cysteine and serine. This variant is not present in population databases (ExAC no frequency). This variant has not been reported in the literature in individuals with LRIT3-related conditions. Algorithms developed to predict the effect of missense changes on protein structure and function are either unavailable or do not agree on the potential impact of this missense change (SIFT: "Deleterious"; PolyPhen-2: "Possibly Damaging"; Align-GVGD: "Class C0"). In summary, the available evidence is currently insufficient to determine the role of this variant in disease. Therefore, it has been classified as a Variant of Uncertain Significance.